The following is an entry in ClinVar:

NM_001077365.2(POMT1):c.459G>A (p.Met153Ile)

Gene: POMT1 (protein O-mannosyltransferase 1; plus strand). Cytogenetic location: 9q34.13.
Variant type: single nucleotide variant.
Coding change: c.459G>A on transcript NM_001077365.2 (MANE Select); coding-DNA position 459, G replaced by A.
Protein change: p.Met153Ile; replaces methionine 153 with isoleucine.
Molecular consequence: missense variant. On other transcripts: initiator codon variant (2), non-coding transcript variant (8).
Genome position (GRCh38, 1-based): chr9:131,508,942, G>A. VCF-style: chr9-131508942-G-A. GRCh37 (hg19) VCF-style: chr9-134384329-G-A.
Other names: c.297G>A, p.Met99Ile (NM_001077366.2, NM_001353194.2, NM_001353197.2 and 3 more transcripts); c.459G>A, p.Met153Ile (NM_001136113.2, NM_001353193.2, NM_001374690.1 and 1 more transcripts); c.108G>A, p.Met36Ile (NM_001136114.2, NM_001353195.2, NM_001353199.2 and 2 more transcripts); c.369G>A, p.Met123Ile (NM_001353196.2); c.3G>A, p.Met1Ile (NM_001353200.2, NM_001374695.1); short protein forms M153I, M36I, M123I, M99I, M1I.
Identifiers: ClinVar variation 912810 (VCV000912810.6), dbSNP rs1184495903, ClinGen allele CA375306931.

ClinVar aggregate classification (germline): Uncertain significance. Review status: criteria provided, multiple submitters, no conflicts (2 of 4 stars). 2 submissions from 2 submitters: Uncertain significance (2). Last evaluated 2022-08-19.

Conditions:
Autosomal recessive limb-girdle muscular dystrophy type 2K. Also called: MUSCULAR DYSTROPHY-DYSTROGLYCANOPATHY (LIMB-GIRDLE), TYPE C, 1; MUSCULAR DYSTROPHY, LIMB-GIRDLE, TYPE 2K. Identifiers: Orphanet 86812, MedGen C1836373, MONDO:0012248, OMIM 609308.
Walker-Warburg congenital muscular dystrophy. Also called: Muscular dystrophy-dystroglycanopathy, type A; Walker-Warburg syndrome. Identifiers: Orphanet 899, MedGen C0265221, MONDO:0000171.
Muscular dystrophy-dystroglycanopathy (congenital with impaired intellectual development), type B, 1. Also called: MUSCULAR DYSTROPHY, CONGENITAL, POMT1-RELATED; Muscular dystrophy-dystroglycanopathy (congenital with intellectual disability), type B1. Identifiers: MedGen C5436962, MONDO:0013159, OMIM 613155.

Allele frequency attached by ClinVar (database versions not stated): gnomAD exomes below 0.00001; TOPMed below 0.00001.

Submissions (2):

Labcorp Genetics (formerly Invitae), Labcorp
Classification: Uncertain significance for Muscular dystrophy-dystroglycanopathy (congenital with impaired intellectual development), type B, 1; Walker-Warburg congenital muscular dystrophy; Autosomal recessive limb-girdle muscular dystrophy type 2K. Last evaluated: 2022-08-19. Review status: criteria provided, single submitter. Criteria: Invitae Variant Classification Sherloc (09022015). Collection method: clinical testing. Allele origin: germline.
Comment: This sequence change replaces methionine, which is neutral and non-polar, with isoleucine, which is neutral and non-polar, at codon 153 of the POMT1 protein (p.Met153Ile). This variant is not present in population databases (gnomAD no frequency). This variant has not been reported in the literature in individuals affected with POMT1-related conditions. ClinVar contains an entry for this variant (Variation ID: 912810). Algorithms developed to predict the effect of missense changes on protein structure and function output the following: SIFT: "Tolerated"; PolyPhen-2: "Benign"; Align-GVGD: "Class C0". The isoleucine amino acid residue is found in multiple mammalian species, which suggests that this missense change does not adversely affect protein function. In summary, the available evidence is currently insufficient to determine the role of this variant in disease. Therefore, it has been classified as a Variant of Uncertain Significance.

Illumina Laboratory Services, Illumina
Classification: Uncertain significance for Autosomal recessive limb-girdle muscular dystrophy type 2K. Last evaluated: 2018-01-12. Review status: criteria provided, single submitter. Criteria: ICSL Variant Classification Criteria 13 December 2019. Collection method: clinical testing. Allele origin: germline.